The following is an entry in ClinVar:

ClinVar aggregate classification (germline): Uncertain significance (1 of 4 stars; one submission).

Conditions:
Early-infantile DEE. Also called: Early infantile epileptic encephalopathy; Early infantile epileptic encephalopathy with suppression bursts; Ohtahara syndrome. Identifiers: Orphanet 1934, MedGen C0393706, MONDO:0800491.

Submission:

Labcorp Genetics (formerly Invitae), Labcorp
Classification: Uncertain significance for Early-infantile DEE. Last evaluated: 2025-05-05. Review status: criteria provided, single submitter. Criteria: Invitae Variant Classification Sherloc (09022015). Collection method: clinical testing. Allele origin: germline.
Comment: This sequence change replaces serine, which is neutral and polar, with arginine, which is basic and polar, at codon 484 of the SPTAN1 protein (p.Ser484Arg). This variant is not present in population databases (gnomAD no frequency). This variant has not been reported in the literature in individuals affected with SPTAN1-related conditions. Invitae Evidence Modeling of protein sequence and biophysical properties (such as structural, functional, and spatial information, amino acid conservation, physicochemical variation, residue mobility, and thermodynamic stability) has been performed for this missense variant. However, the output from this modeling did not meet the statistical confidence thresholds required to predict the impact of this variant on SPTAN1 protein function. In summary, the available evidence is currently insufficient to determine the role of this variant in disease. Therefore, it has been classified as a Variant of Uncertain Significance.

NM_001130438.3(SPTAN1):c.1452C>G (p.Ser484Arg)

Gene: SPTAN1 (spectrin alpha, non-erythrocytic 1; plus strand). Cytogenetic location: 9q34.11.
Variant type: single nucleotide variant.
Coding change: c.1452C>G on transcript NM_001130438.3 (MANE Select); coding-DNA position 1452, C replaced by G.
Protein change: p.Ser484Arg; replaces serine 484 with arginine.
Molecular consequence: missense variant.
Genome position (GRCh38, 1-based): chr9:128,581,050, C>G. VCF-style: chr9-128581050-C-G. GRCh37 (hg19) VCF-style: chr9-131343329-C-G.
Other names: c.1452C>G, p.Ser484Arg (NM_001195532.2, NM_001363759.2, NM_001363765.2 and 10 more transcripts); c.1488C>G, p.Ser496Arg (NM_001375312.2, NM_001375318.1, NM_001438440.1); short protein forms S484R, S496R.
Identifiers: ClinVar variation 4801843 (VCV004801843.1).
Genomic context (GRCh38, chr9:128,581,050, plus strand): 5'-GCAGTGCATGGACCTGCAGCTCTTCTACCGGGACACTGAGCAGGTGGACAACTGGATGAG[C>G]AAGCAGGAGGTAATCTGTGAGCAAAGCCTTGCCAGTGGTGGGAGAAGAAGGGCCTGTGTT-3'
Protein context (NP_001123910.1, residues 474-494): RDTEQVDNWM[Ser484Arg]KQEAFLLNED